The following is an entry in ClinVar:

ClinVar aggregate classification (germline): Pathogenic (1 of 4 stars; one submission).

Submission:

Labcorp Genetics (formerly Invitae), Labcorp
Classification: Pathogenic. Last evaluated: 2024-12-19. Review status: criteria provided, single submitter. Criteria: Invitae Variant Classification Sherloc (09022015). Collection method: clinical testing. Allele origin: germline.
Comment: This sequence change replaces cysteine, which is neutral and slightly polar, with arginine, which is basic and polar, at codon 142 of the PHEX protein (p.Cys142Arg). This variant is not present in population databases (gnomAD no frequency). This missense change has been observed in individuals with hypophosphatemia (PMID: 25086671; internal data). Invitae Evidence Modeling of protein sequence and biophysical properties (such as structural, functional, and spatial information, amino acid conservation, physicochemical variation, residue mobility, and thermodynamic stability) indicates that this missense variant is expected to disrupt PHEX protein function with a positive predictive value of 95%. This variant disrupts the p.Cys142 amino acid residue in PHEX. Other variant(s) that disrupt this residue have been determined to be pathogenic (PMID: 10439971; internal data). This suggests that this residue is clinically significant, and that variants that disrupt this residue are likely to be disease-causing. For these reasons, this variant has been classified as Pathogenic.

Literature cited by the submitters: PubMed 25086671; PubMed 10439971.

NM_000444.6(PHEX):c.424T>C (p.Cys142Arg)

Gene: PHEX (phosphate regulating endopeptidase X-linked; plus strand). Cytogenetic location: Xp22.11.
Variant type: single nucleotide variant.
Coding change: c.424T>C on transcript NM_000444.6 (MANE Select); coding-DNA position 424, T replaced by C.
Protein change: p.Cys142Arg; replaces cysteine 142 with arginine.
Molecular consequence: missense variant.
Genome position (GRCh38, 1-based): chrX:22,076,462, T>C. VCF-style: chrX-22076462-T-C. GRCh37 (hg19) VCF-style: chrX-22094580-T-C.
Other names: c.424T>C, p.Cys142Arg (NM_001282754.2); short protein forms C142R.
Identifiers: ClinVar variation 3724107 (VCV003724107.2).